The following is an entry in ClinVar:

ClinVar aggregate classification (germline): Uncertain significance (1 of 4 stars; one submission).

Submission:

Labcorp Genetics (formerly Invitae), Labcorp
Classification: Uncertain significance. Last evaluated: 2023-08-30. Review status: criteria provided, single submitter. Criteria: Invitae Variant Classification Sherloc (09022015). Collection method: clinical testing. Allele origin: germline.
Comment: Algorithms developed to predict the effect of missense changes on protein structure and function output the following: SIFT: "Not Available"; PolyPhen-2: "Benign"; Align-GVGD: "Not Available". The leucine amino acid residue is found in multiple mammalian species, which suggests that this missense change does not adversely affect protein function. In summary, the available evidence is currently insufficient to determine the role of this variant in disease. Therefore, it has been classified as a Variant of Uncertain Significance. This variant has not been reported in the literature in individuals affected with RFWD3-related conditions. This variant is not present in population databases (gnomAD no frequency). This sequence change replaces phenylalanine, which is neutral and non-polar, with leucine, which is neutral and non-polar, at codon 641 of the RFWD3 protein (p.Phe641Leu).

NM_018124.4(RFWD3):c.1921T>C (p.Phe641Leu)

Gene: RFWD3 (ring finger and WD repeat domain 3; minus strand). Cytogenetic location: 16q23.1.
Variant type: single nucleotide variant.
Coding change: c.1921T>C on transcript NM_018124.4 (MANE Select); coding-DNA position 1921, T replaced by C.
Protein change: p.Phe641Leu; replaces phenylalanine 641 with leucine.
Molecular consequence: missense variant.
Genome position (GRCh38, 1-based): chr16:74,628,500, A>G on the plus strand (T>C on the coding strand, the complement: RFWD3 is on the minus strand). VCF-style: chr16-74628500-A-G. GRCh37 (hg19) VCF-style: chr16-74662398-A-G.
Other names: c.1921T>C, p.Phe641Leu (NM_001370534.1, NM_001370535.1); c.1744T>C, p.Phe582Leu (NM_001370536.1); c.1087T>C, p.Phe363Leu (NM_001370537.1, NM_001370539.1, NM_001370540.1 and 3 more transcripts); short protein forms F641L, F582L, F363L.
Identifiers: ClinVar variation 2756837 (VCV002756837.3), dbSNP rs2543934068, ClinGen allele CA396759736.